The following is an entry in ClinVar:

NM_016279.4(CDH9):c.1796C>T (p.Ser599Phe)

Gene: CDH9 (cadherin 9; minus strand). Cytogenetic location: 5p14.1.
Variant type: single nucleotide variant.
Coding change: c.1796C>T on transcript NM_016279.4 (MANE Select); coding-DNA position 1796, C replaced by T.
Protein change: p.Ser599Phe; replaces serine 599 with phenylalanine.
Molecular consequence: missense variant.
Genome position (GRCh38, 1-based): chr5:26,885,700, G>A on the plus strand (C>T on the coding strand, the complement: CDH9 is on the minus strand). VCF-style: chr5-26885700-G-A. GRCh37 (hg19) VCF-style: chr5-26885809-G-A.
Other names: short protein forms S599F.
Identifiers: ClinVar variation 4886743 (VCV004886743.2).

ClinVar aggregate classification (germline): Uncertain significance (1 of 4 stars; one submission).

gnomAD v4.1: 4 of 1,613,566 alleles (0.00025%); highest among the groups gnomAD compares: Non-Finnish European, 0.00034%; no homozygotes.

Submission:

Dasa
Classification: Uncertain significance. Last evaluated: 2025-11-10. Review status: criteria provided, single submitter. Criteria: DASA Assertion Criteria. Collection method: clinical testing. Allele origin: germline.
Comment: NM_016279.4(CDH9):c.1796C>T (p.Ser599Phe) is a missense variant that results in the substitution of serine with phenylalanine. This variant is rare in population databases. The currently available literature and clinical evidence are not sufficient to establish a definitive association between this variant and the reported condition. Therefore, this variant is classified as a variant of uncertain significance.